The following is an entry in ClinVar:

NM_000138.5(FBN1):c.8466A>G (p.Pro2822=)

Gene: FBN1 (fibrillin 1; minus strand). Cytogenetic location: 15q21.1.
Variant type: single nucleotide variant.
Coding change: c.8466A>G on transcript NM_000138.5 (MANE Select); coding-DNA position 8466, A replaced by G.
Protein change: p.Pro2822=; no amino-acid change (proline 2822 retained).
Molecular consequence: synonymous variant.
Genome position (GRCh38, 1-based): chr15:48,411,140, T>C on the plus strand (A>G on the coding strand, the complement: FBN1 is on the minus strand). VCF-style: chr15-48411140-T-C. GRCh37 (hg19) VCF-style: chr15-48703337-T-C.
Identifiers: ClinVar variation 1065169 (VCV001065169.13), dbSNP rs147279938, ClinGen allele CA060064.
Genomic context (GRCh38, chr15:48,411,140, plus strand): 5'-AAGTTCTTTCTTTTTATAAAGTGGAGTACTACTGATTTGTAATGAATAGGTTCCAGCCAC[T>C]GGCTTCTTCTTTGTGAAGTGGAGGTAGCTGATCCCTTCCTTTTGGTTGATTTTAAAGAAG-3'
Protein context (NP_000129.3, residues 2812-2832): ISYLHFTKKK[Pro2822=]VAGTYSLQIS

ClinVar aggregate classification (germline): Likely benign. Review status: criteria provided, multiple submitters, no conflicts (2 of 4 stars). 5 submissions from 5 submitters: Likely benign (5). Last evaluated 2025-03-16.

Conditions:
Marfan syndrome (MFS). Also called: FBN1-Related Marfan Syndrome; MARFAN SYNDROME, TYPE I; Marfan syndrome type 1; Marfan's syndrome; Marfan syndrome, classic. Identifiers: Orphanet 284963, Orphanet 558, MedGen C0024796, MONDO:0007947, OMIM 154700.
Familial thoracic aortic aneurysm and aortic dissection (TAAD). Also called: Thoracic aortic aneurysms and dissections. Identifiers: Orphanet 91387, MedGen C4707243, MONDO:0019625.

Allele frequency attached by ClinVar (database versions not stated): TOPMed below 0.00001; ExAC 0.00003; gnomAD 0.00001 and 0.00003; ESP Exome Variant Server 0.00008.
gnomAD v4.1: 41 of 1,614,204 alleles (0.0025%); highest among the groups gnomAD compares: Middle Eastern, 0.016%; 1 homozygote.

Submissions (5):

Labcorp Genetics (formerly Invitae), Labcorp
Classification: Likely benign for Marfan syndrome; Familial thoracic aortic aneurysm and aortic dissection. Last evaluated: 2025-03-16. Review status: criteria provided, single submitter. Criteria: Invitae Variant Classification Sherloc (09022015). Collection method: clinical testing. Allele origin: germline.

Ambry Genetics
Classification: Likely benign for Familial thoracic aortic aneurysm and aortic dissection. Last evaluated: 2024-05-30. Review status: criteria provided, single submitter. Criteria: Ambry Variant Classification Scheme 2023. Collection method: clinical testing. Allele origin: germline.

All of Us Research Program, National Institutes of Health
Classification: Likely benign for Marfan syndrome. Last evaluated: 2023-11-20. Review status: criteria provided, single submitter. Criteria: ACMG Guidelines, 2015. Collection method: clinical testing. Allele origin: germline. Inheritance: Autosomal dominant inheritance. Observed: 2 variant alleles, 2 heterozygotes.
Comment: This study involves interpretation of variants in research participants for the purpose of population health screening. Participant phenotype was not available at the time of variant classification. Additional details can be found in publication PMID: 35346344, PMCID: PMC8962531

Color Diagnostics, LLC DBA Color Health
Classification: Likely benign for Familial thoracic aortic aneurysm and aortic dissection. Last evaluated: 2022-11-21. Review status: criteria provided, single submitter. Criteria: ACMG Guidelines, 2015. Collection method: clinical testing. Allele origin: germline.

Women's Health and Genetics/Laboratory Corporation of America, LabCorp
Classification: Likely benign. Last evaluated: 2021-04-15. Review status: criteria provided, single submitter. Criteria: LabCorp Variant Classification Summary - May 2015. Collection method: clinical testing. Allele origin: germline.